The following is an entry in ClinVar:

ClinVar aggregate classification (germline): Likely pathogenic. Review status: criteria provided, multiple submitters, no conflicts (2 of 4 stars). 2 submissions from 2 submitters: Likely pathogenic (2). Last evaluated 2023-08-28.

Conditions:
Maple syrup urine disease (MSUD). Identifiers: Orphanet 511, MedGen C0024776, MeSH D008375, MONDO:0009563. Disease mechanism: loss of function.

Allele frequency attached by ClinVar (database versions not stated): gnomAD exomes below 0.00001.
gnomAD v4.1: 1 of 1,608,500 alleles (0.000062%); highest among the groups gnomAD compares: Non-Finnish European, 0.000085%; no homozygotes.

Submissions (2):

Baylor Genetics
Classification: Likely pathogenic for Maple syrup urine disease type 1A. Last evaluated: 2023-08-28. Review status: criteria provided, single submitter. Criteria: ACMG Guidelines, 2015. Collection method: clinical testing. Allele origin: unknown.

Labcorp Genetics (formerly Invitae), Labcorp
Classification: Likely pathogenic for Maple syrup urine disease. Last evaluated: 2021-11-07. Review status: criteria provided, single submitter. Criteria: Invitae Variant Classification Sherloc (09022015). Collection method: clinical testing. Allele origin: germline.
Comment: This sequence change affects an acceptor splice site in intron 7 of the BCKDHA gene. It is expected to disrupt RNA splicing. Variants that disrupt the donor or acceptor splice site typically lead to a loss of protein function (PMID: 16199547), and loss-of-function variants in BCKDHA are known to be pathogenic (PMID: 16786533, 22593002). This variant is not present in population databases (gnomAD no frequency). This variant has not been reported in the literature in individuals affected with BCKDHA-related conditions. Algorithms developed to predict the effect of sequence changes on RNA splicing suggest that this variant may disrupt the consensus splice site. In summary, the currently available evidence indicates that the variant is pathogenic, but additional data are needed to prove that conclusively. Therefore, this variant has been classified as Likely Pathogenic.

Literature cited by the submitters: PubMed 16199547 (cited by Labcorp Genetics (formerly Invitae), Labcorp); PubMed 16786533 (cited by Labcorp Genetics (formerly Invitae), Labcorp); PubMed 22593002 (cited by Labcorp Genetics (formerly Invitae), Labcorp).

NM_000709.4(BCKDHA):c.996-2A>G

Gene: BCKDHA (branched chain keto acid dehydrogenase E1 subunit alpha; plus strand). Cytogenetic location: 19q13.2.
Variant type: single nucleotide variant.
Coding change: c.996-2A>G on transcript NM_000709.4 (MANE Select); the canonical splice acceptor site of the intron before coding-DNA position 996, A replaced by G.
Molecular consequence: splice acceptor variant.
Genome position (GRCh38, 1-based): chr19:41,422,996, A>G. VCF-style: chr19-41422996-A-G. GRCh37 (hg19) VCF-style: chr19-41928901-A-G.
Other names: c.993-2A>G (NM_001164783.2).
Identifiers: ClinVar variation 1493182 (VCV001493182.7), dbSNP rs2122146208, ClinGen allele CA406013729.